The following is an entry in ClinVar:

ClinVar aggregate classification (germline): Benign/Likely benign. Review status: criteria provided, multiple submitters, no conflicts (2 of 4 stars). 3 submissions from 3 submitters: Benign (1); Likely benign (2). Last evaluated 2023-05-01.

Allele frequency attached by ClinVar (database versions not stated): 1000 Genomes Project 30x 0.00578; 1000 Genomes Project 0.00579.
gnomAD v4.1: 10,960 of 1,602,732 alleles (0.68%); highest among the groups gnomAD compares: Middle Eastern, 1.3%; 65 homozygotes.

Submissions (3):

CeGaT Center for Human Genetics Tuebingen
Classification: Benign. Last evaluated: 2023-05-01. Review status: criteria provided, single submitter. Criteria: CeGaT Center For Human Genetics Tuebingen Variant Classification Criteria Version 2. Collection method: clinical testing. Allele origin: germline. Affected: yes. Observed: 3 variant alleles.
Comment: LHB: BS1, BS2

GeneDx
Classification: Likely benign. Last evaluated: 2018-10-21. Review status: criteria provided, single submitter. Criteria: GeneDx Variant Classification Process June 2021. Collection method: clinical testing. Allele origin: germline. Affected: yes.

Breakthrough Genomics
Classification: Likely benign. Review status: criteria provided, single submitter. Criteria: ACMG Guidelines, 2015. Collection method: not provided. Allele origin: germline. Inheritance: Autosomal recessive inheritance. Affected: yes.

NM_000894.3(LHB):c.16-66G>A

Gene: LHB (luteinizing hormone subunit beta; minus strand). Cytogenetic location: 19q13.33.
Variant type: single nucleotide variant.
Coding change: c.16-66G>A on transcript NM_000894.3 (MANE Select); 66 bases into the intron before coding-DNA position 16, G replaced by A.
Molecular consequence: intron variant.
Genome position (GRCh38, 1-based): chr19:49,016,780, C>T on the plus strand (G>A on the coding strand, the complement: LHB is on the minus strand). VCF-style: chr19-49016780-C-T. GRCh37 (hg19) VCF-style: chr19-49520037-C-T.
Identifiers: ClinVar variation 1188745 (VCV001188745.27), dbSNP rs568998004, ClinGen allele CA9564447.